The following is an entry in ClinVar:

NM_024854.5(PYROXD1):c.865G>T (p.Val289Phe)

Gene: PYROXD1 (pyridine nucleotide-disulphide oxidoreductase domain 1; plus strand). Cytogenetic location: 12p12.1.
Variant type: single nucleotide variant.
Coding change: c.865G>T on transcript NM_024854.5 (MANE Select); coding-DNA position 865, G replaced by T.
Protein change: p.Val289Phe; replaces valine 289 with phenylalanine.
Molecular consequence: missense variant.
Genome position (GRCh38, 1-based): chr12:21,461,139, G>T. VCF-style: chr12-21461139-G-T. GRCh37 (hg19) VCF-style: chr12-21614073-G-T.
Other names: c.652G>T, p.Val218Phe (NM_001350912.2); c.88G>T, p.Val30Phe (NM_001350913.2); short protein forms V218F, V30F, V289F.
Identifiers: ClinVar variation 4774449 (VCV004774449.1).

ClinVar aggregate classification (germline): Uncertain significance (1 of 4 stars; one submission).

Submission:

Labcorp Genetics (formerly Invitae), Labcorp
Classification: Uncertain significance. Last evaluated: 2025-02-19. Review status: criteria provided, single submitter. Criteria: Invitae Variant Classification Sherloc (09022015). Collection method: clinical testing. Allele origin: germline.
Comment: This sequence change replaces valine, which is neutral and non-polar, with phenylalanine, which is neutral and non-polar, at codon 289 of the PYROXD1 protein (p.Val289Phe). This variant is not present in population databases (gnomAD no frequency). This variant has not been reported in the literature in individuals affected with PYROXD1-related conditions. Invitae Evidence Modeling of protein sequence and biophysical properties (such as structural, functional, and spatial information, amino acid conservation, physicochemical variation, residue mobility, and thermodynamic stability) indicates that this missense variant is not expected to disrupt PYROXD1 protein function with a negative predictive value of 80%. In summary, the available evidence is currently insufficient to determine the role of this variant in disease. Therefore, it has been classified as a Variant of Uncertain Significance.